The following is an entry in ClinVar:

ClinVar aggregate classification (germline): Uncertain significance (1 of 4 stars; one submission).

Conditions:
Deficiency of alpha-mannosidase (MANSA). Also called: LYSOSOMAL ALPHA-D-MANNOSIDASE DEFICIENCY; Alpha-Mannosidosis; Mannosidosis, alpha-, types I and II. Identifiers: Orphanet 61, MedGen C0024748, MONDO:0009561, OMIM 248500.

Submissions (8):

Labcorp Genetics (formerly Invitae), Labcorp
Classification: Uncertain significance for Deficiency of alpha-mannosidase. Last evaluated: 2022-03-20. Review status: criteria provided, single submitter. Criteria: Invitae Variant Classification Sherloc (09022015). Collection method: clinical testing. Allele origin: germline.
Comment: Algorithms developed to predict the effect of sequence changes on RNA splicing suggest that this variant may disrupt the consensus splice site. This variant has not been reported in the literature in individuals affected with MAN2B1-related conditions. This variant is not present in population databases (gnomAD no frequency). This sequence change falls in intron 7 of the MAN2B1 gene. It does not directly change the encoded amino acid sequence of the MAN2B1 protein. In summary, the available evidence is currently insufficient to determine the role of this variant in disease. Therefore, it has been classified as a Variant of Uncertain Significance.

Dr. Peter K. Rogan Lab, Western University
No classification provided (evidence only). Condition: Ovarian serous cystadenocarcinoma. Review status: no classification provided. Collection method: in vitro. Allele origin: not applicable. Functional consequence: retained intron. Not counted in ClinVar's aggregate classification.

Dr. Peter K. Rogan Lab, Western University
No classification provided (evidence only). Condition: Ovarian serous cystadenocarcinoma. Review status: no classification provided. Collection method: in vitro. Allele origin: not applicable. Functional consequence: retained intron. Not counted in ClinVar's aggregate classification.

Dr. Peter K. Rogan Lab, Western University
No classification provided (evidence only). Condition: Ovarian serous cystadenocarcinoma. Review status: no classification provided. Collection method: in vitro. Allele origin: not applicable. Functional consequence: retained intron. Not counted in ClinVar's aggregate classification.

Dr. Peter K. Rogan Lab, Western University
No classification provided (evidence only). Condition: Ovarian serous cystadenocarcinoma. Review status: no classification provided. Collection method: in vitro. Allele origin: not applicable. Functional consequence: skipped exon, retained intron. Not counted in ClinVar's aggregate classification.

Dr. Peter K. Rogan Lab, Western University
No classification provided (evidence only). Condition: Ovarian serous cystadenocarcinoma. Review status: no classification provided. Collection method: in vitro. Allele origin: not applicable. Functional consequence: retained intron. Not counted in ClinVar's aggregate classification.

Dr. Peter K. Rogan Lab, Western University
No classification provided (evidence only). Condition: Ovarian serous cystadenocarcinoma. Review status: no classification provided. Collection method: in vitro. Allele origin: not applicable. Functional consequence: retained intron. Not counted in ClinVar's aggregate classification.

Dr. Peter K. Rogan Lab, Western University
No classification provided (evidence only). Condition: Ovarian serous cystadenocarcinoma. Review status: no classification provided. Collection method: in vitro. Allele origin: not applicable. Functional consequence: retained intron. Not counted in ClinVar's aggregate classification.

NM_000528.4(MAN2B1):c.1027-7C>G

Gene: MAN2B1 (mannosidase alpha class 2B member 1; minus strand). Cytogenetic location: 19p13.13.
Variant type: single nucleotide variant.
Coding change: c.1027-7C>G on transcript NM_000528.4 (MANE Select); 7 bases into the intron before coding-DNA position 1027, C replaced by G.
Molecular consequence: intron variant.
Genome position (GRCh38, 1-based): chr19:12,658,517, G>C on the plus strand (C>G on the coding strand, the complement: MAN2B1 is on the minus strand). VCF-style: chr19-12658517-G-C. GRCh37 (hg19) VCF-style: chr19-12769331-G-C.
Other names: c.1027-10C>G (NM_001173498.2).
Identifiers: ClinVar variation 2114770 (VCV002114770.5), dbSNP rs1454372793, ClinGen allele CA2580096533.